The following is an entry in ClinVar:

ClinVar aggregate classification (germline): Pathogenic (1 of 4 stars; one submission).

Conditions:
Kleefstra syndrome 1 (KLEFS1). Identifiers: Orphanet 261494, MedGen C0795833, MONDO:0027407, OMIM 610253.

Submission:

Clinical Genetics Center, Xinhua Hospital affiliated to Shanghai Jiao Tong University School of Medicine
Classification: Pathogenic for Kleefstra syndrome 1. Last evaluated: 2024-11-01. Review status: criteria provided, single submitter. Criteria: ACMG Guidelines, 2015. Collection method: clinical testing. Allele origin: de novo. Affected: yes.
Comment: PVS1+PM6+PM2_Supporting

NM_024757.5(EHMT1):c.3716+1G>C

Gene: EHMT1 (euchromatic histone lysine methyltransferase 1; plus strand). Cytogenetic location: 9q34.3.
Variant type: single nucleotide variant.
Coding change: c.3716+1G>C on transcript NM_024757.5 (MANE Select); the canonical splice donor site of the intron after coding-DNA position 3716, G replaced by C.
Molecular consequence: splice donor variant.
Genome position (GRCh38, 1-based): chr9:137,834,525, G>C. VCF-style: chr9-137834525-G-C. GRCh37 (hg19) VCF-style: chr9-140728977-G-C.
Other names: c.3695+1G>C (NM_001354263.2).
Identifiers: ClinVar variation 3391426 (VCV003391426.1).